The following is an entry in ClinVar:

NM_003611.3(OFD1):c.1927G>A (p.Glu643Lys)

Gene: OFD1 (OFD1 centriole and centriolar satellite protein; plus strand). Cytogenetic location: Xp22.2.
Variant type: single nucleotide variant.
Coding change: c.1927G>A on transcript NM_003611.3 (MANE Select); coding-DNA position 1927, G replaced by A.
Protein change: p.Glu643Lys; replaces glutamic acid 643 with lysine.
Molecular consequence: missense variant.
Genome position (GRCh38, 1-based): chrX:13,760,387, G>A. VCF-style: chrX-13760387-G-A. GRCh37 (hg19) VCF-style: chrX-13778506-G-A.
Other names: c.1807G>A, p.Glu603Lys (NM_001330209.2); c.1507G>A, p.Glu503Lys (NM_001330210.2); short protein forms E503K, E603K, E643K.
Identifiers: ClinVar variation 3762032 (VCV003762032.2).
Genomic context (GRCh38, chrX:13,760,387, plus strand): 5'-TCTGACCTTGAGTTTGTAGCCAATACTAAGGCAAGGGTCAAAGAGCTTCAGCAAGAGGCC[G>A]AACGCTTGGAAAAGGCTTTCAGAAGTTACCATCGGAGAGTCATTAAAAACTCTGCCAAAA-3'
Protein context (NP_003602.1, residues 633-653): ARVKELQQEA[Glu643Lys]RLEKAFRSYH

ClinVar aggregate classification (germline): Uncertain significance (1 of 4 stars; one submission).

Conditions:
Joubert syndrome. Also called: CEREBELLOPARENCHYMAL DISORDER IV; JOUBERT-BOLTSHAUSER SYNDROME; Familial aplasia of the vermis. Identifiers: Orphanet 475, MedGen C5979921, MONDO:0018772.
Orofaciodigital syndrome I (OFD1). Also called: OFDS I; Papillon-Leage and Psaume Syndrome; Oral-Facial-Digital Syndrome Type I. Identifiers: Orphanet 2750, MedGen C1510460, MONDO:0010702, OMIM 311200.

gnomAD v4.1: 4 of 1,208,766 alleles (0.00033%); highest among the groups gnomAD compares: Non-Finnish European, 0.00045%; no homozygotes.

Submission:

Labcorp Genetics (formerly Invitae), Labcorp
Classification: Uncertain significance for Orofaciodigital syndrome I; Joubert syndrome. Last evaluated: 2025-09-11. Review status: criteria provided, single submitter. Criteria: Invitae Variant Classification Sherloc (09022015). Collection method: clinical testing. Allele origin: germline.
Comment: This sequence change replaces glutamic acid, which is acidic and polar, with lysine, which is basic and polar, at codon 643 of the OFD1 protein (p.Glu643Lys). This variant is not present in population databases (gnomAD no frequency). This variant has not been reported in the literature in individuals affected with OFD1-related conditions. ClinVar contains an entry for this variant (Variation ID: 3762032). Invitae Evidence Modeling of protein sequence and biophysical properties (such as structural, functional, and spatial information, amino acid conservation, physicochemical variation, residue mobility, and thermodynamic stability) indicates that this missense variant is not expected to disrupt OFD1 protein function with a negative predictive value of 80%. In summary, the available evidence is currently insufficient to determine the role of this variant in disease. Therefore, it has been classified as a Variant of Uncertain Significance.